The following is an entry in ClinVar:

ClinVar aggregate classification (germline): Benign (1 of 4 stars; one submission).

Conditions:
Perlman syndrome (PRLMNS). Identifiers: Orphanet 2849, MedGen C0796113, MONDO:0009965, OMIM 267000.

Allele frequency attached by ClinVar (database versions not stated): gnomAD exomes 0.00065; gnomAD 0.00130 and 0.00184; TOPMed 0.00174; 1000 Genomes Project 0.01038; 1000 Genomes Project 30x 0.01077.
gnomAD v4.1: 1,137 of 1,321,214 alleles (0.086%); highest among the groups gnomAD compares: East Asian, 3.1%; 22 homozygotes.

Submission:

Illumina Laboratory Services, Illumina
Classification: Benign for Perlman syndrome. Last evaluated: 2018-01-12. Review status: criteria provided, single submitter. Criteria: ICSL Variant Classification Criteria 13 December 2019. Collection method: clinical testing. Allele origin: germline.
Comment: This variant was observed in the ICSL laboratory as part of a predisposition screen in an ostensibly healthy population. It had not been previously curated by ICSL or reported in the Human Gene Mutation Database (HGMD: prior to June 1st, 2018), and was therefore a candidate for classification through an automated scoring system. Utilizing variant allele frequency, disease prevalence and penetrance estimates, and inheritance mode, an automated score was calculated to assess if this variant is too frequent to cause the disease. Based on the score and internal cut-off values, a variant classified as benign is not then subjected to further curation. The score for this variant resulted in a classification of benign for this disease.

NM_152383.5(DIS3L2):c.*255C>T

Gene: DIS3L2 (DIS3 like 3'-5' exoribonuclease 2; plus strand). Cytogenetic location: 2q37.1.
Variant type: single nucleotide variant.
Coding change: c.*255C>T on transcript NM_152383.5 (MANE Select); 255 bases downstream of the stop codon, C replaced by T.
Molecular consequence: 3 prime UTR variant. On other transcripts: non-coding transcript variant (2), intron variant (1).
Genome position (GRCh38, 1-based): chr2:232,336,885, C>T. VCF-style: chr2-232336885-C-T. GRCh37 (hg19) VCF-style: chr2-233201595-C-T.
Other names: c.1582-6460C>T (NM_001257281.2).
Identifiers: ClinVar variation 334957 (VCV000334957.5), dbSNP rs143054885, ClinGen allele CA10614811.
Genomic context (GRCh38, chr2:232,336,885, plus strand): 5'-GGCCTGGTCAGCAGTGACCCCAGCAGAGCAGGCCCCAGTCCTCCTGGGAGGCTGGCCCCC[C>T]TTTTTTCTGGGCCCTACTGCCCTCCTCTGCCCAGGAAATGGGGGGGTTTCAGCAACTCAG-3'